The following is an entry in ClinVar:

ClinVar aggregate classification (germline): Uncertain significance (1 of 4 stars; one submission).

Conditions:
Hereditary cancer-predisposing syndrome. Also called: Neoplastic Syndromes, Hereditary; Tumor predisposition; Hereditary neoplastic syndrome; Hereditary Cancer Syndrome. Identifiers: Orphanet 140162, MedGen C0027672, MeSH D009386, MONDO:0015356.
Cardiovascular phenotype. Identifiers: MedGen CN230736.

Submission:

Ambry Genetics
Classification: Uncertain significance for Cardiovascular phenotype; Hereditary cancer-predisposing syndrome. Last evaluated: 2018-12-03. Review status: criteria provided, single submitter. Criteria: Ambry Variant Classification Scheme 2023. Collection method: clinical testing. Allele origin: germline.
Comment: The p.I1478L variant (also known as c.4432A>T), located in coding exon 33 of the NF1 gene, results from an A to T substitution at nucleotide position 4432. The isoleucine at codon 1478 is replaced by leucine, an amino acid with highly similar properties. This amino acid position is highly conserved in available vertebrate species. In addition, the in silico prediction for this alteration is inconclusive. Since supporting evidence is limited at this time, the clinical significance of this alteration remains unclear.

NM_001042492.3(NF1):c.4495A>T (p.Ile1499Leu)

Gene: NF1 (neurofibromin 1; plus strand). Cytogenetic location: 17q11.2.
Variant type: single nucleotide variant.
Coding change: c.4495A>T on transcript NM_001042492.3 (MANE Select); coding-DNA position 4495, A replaced by T.
Protein change: p.Ile1499Leu; replaces isoleucine 1499 with leucine.
Molecular consequence: missense variant.
Genome position (GRCh38, 1-based): chr17:31,260,433, A>T. VCF-style: chr17-31260433-A-T. GRCh37 (hg19) VCF-style: chr17-29587451-A-T.
Other names: c.4432A>T, p.Ile1478Leu (NM_000267.4); short protein forms I1478L, I1499L.
Identifiers: ClinVar variation 824886 (VCV000824886.4), dbSNP rs764654925, ClinGen allele CA398999478.
Genomic context (GRCh38, chr17:31,260,433, plus strand): 5'-TTCCTTGATATAGCATCTGATTGTCCTACAAGTGATGCAGTAAATCATAGTCTTTCCTTC[A>T]TAAGTGACGGCAATGTGCTTGCTTTACATCGTCTACTCTGGAACAATCAGGAGAAAATTG-3'
Protein context (NP_001035957.1, residues 1489-1509): SDAVNHSLSF[Ile1499Leu]SDGNVLALHR